The following is an entry in ClinVar:

ClinVar aggregate classification (germline): Uncertain significance. Review status: criteria provided, multiple submitters, no conflicts (2 of 4 stars). 2 submissions from 2 submitters: Uncertain significance (2). Last evaluated 2025-02-02.

Conditions:
Inborn genetic diseases. Identifiers: MedGen C0950123, MeSH D030342.

gnomAD v4.1: 13 of 1,613,768 alleles (0.00081%); highest among the groups gnomAD compares: African/African-American, 0.0027%; no homozygotes.

Submissions (2):

Labcorp Genetics (formerly Invitae), Labcorp
Classification: Uncertain significance. Last evaluated: 2025-02-02. Review status: criteria provided, single submitter. Criteria: Invitae Variant Classification Sherloc (09022015). Collection method: clinical testing. Allele origin: germline.
Comment: This sequence change replaces arginine, which is basic and polar, with glycine, which is neutral and non-polar, at codon 394 of the FOCAD protein (p.Arg394Gly). This variant is present in population databases (rs760277453, gnomAD 0.004%). This variant has not been reported in the literature in individuals affected with FOCAD-related conditions. ClinVar contains an entry for this variant (Variation ID: 3516493). An algorithm developed to predict the effect of missense changes on protein structure and function outputs the following: PolyPhen-2: "Not Available". The glycine amino acid residue is found in multiple mammalian species, which suggests that this missense change does not adversely affect protein function. In summary, the available evidence is currently insufficient to determine the role of this variant in disease. Therefore, it has been classified as a Variant of Uncertain Significance.

Ambry Genetics
Classification: Uncertain significance for Inborn genetic diseases. Last evaluated: 2024-08-11. Review status: criteria provided, single submitter. Criteria: Ambry Variant Classification Scheme 2023. Collection method: clinical testing. Allele origin: germline.

NM_001375567.1(FOCAD):c.1180A>G (p.Arg394Gly)

Gene: FOCAD (focadhesin; plus strand). Cytogenetic location: 9p21.3.
Variant type: single nucleotide variant.
Coding change: c.1180A>G on transcript NM_001375567.1 (MANE Select); coding-DNA position 1180, A replaced by G.
Protein change: p.Arg394Gly; replaces arginine 394 with glycine.
Molecular consequence: missense variant.
Genome position (GRCh38, 1-based): chr9:20,781,912, A>G. VCF-style: chr9-20781912-A-G. GRCh37 (hg19) VCF-style: chr9-20781911-A-G.
Other names: c.1180A>G, p.Arg394Gly (NM_001375568.1, NM_017794.5); c.1075A>G, p.Arg359Gly (NM_001375570.1); short protein forms R359G, R394G.
Identifiers: ClinVar variation 3516493 (VCV003516493.3).